The following is an entry in ClinVar:

ClinVar aggregate classification (germline): Uncertain significance (1 of 4 stars; one submission).

Conditions:
Hereditary cancer-predisposing syndrome. Also called: Tumor predisposition; Hereditary Cancer Syndrome; Neoplastic Syndromes, Hereditary; Hereditary neoplastic syndrome. Identifiers: Orphanet 140162, MedGen C0027672, MeSH D009386, MONDO:0015356.

Submission:

Color Diagnostics, LLC DBA Color Health
Classification: Uncertain significance for Hereditary cancer-predisposing syndrome. Last evaluated: 2025-08-14. Review status: criteria provided, single submitter. Criteria: ACMG Guidelines, 2015. Collection method: clinical testing. Allele origin: germline.
Comment: This variant is located in the 3' untranslated region of the MSH6 gene. To our knowledge, functional studies have not been reported for this variant. This variant has not been reported in individuals affected with MSH6-related disorders in the literature. This variant has not been identified in the general population by the Genome Aggregation Database (gnomAD). The available evidence is insufficient to determine the role of this variant in disease conclusively. Therefore, this variant is classified as a Variant of Uncertain Significance.

NM_000179.3(MSH6):c.*6C>G

Gene: MSH6 (mutS homolog 6; plus strand). Cytogenetic location: 2p16.3.
Variant type: single nucleotide variant.
Coding change: c.*6C>G on transcript NM_000179.3 (MANE Select); 6 bases downstream of the stop codon, C replaced by G.
Molecular consequence: 3 prime UTR variant. On other transcripts: non-coding transcript variant (5).
Genome position (GRCh38, 1-based): chr2:47,806,866, C>G. VCF-style: chr2-47806866-C-G. GRCh37 (hg19) VCF-style: chr2-48034005-C-G.
Other names: c.*6C>G (NM_001281492.2, NM_001281493.2, NM_001281494.2 and 33 more transcripts); c.*110C>G (NM_001406800.1); c.*70C>G (NM_001406801.1, NM_001406802.1, NM_001406808.1 and 1 more transcripts).
Identifiers: ClinVar variation 4756166 (VCV004756166.1).
Genomic context (GRCh38, chr2:47,806,866, plus strand): 5'-AACTGTAGATGCTGAAGCTGTCCATAAATTGCTGACTTTGATTAAGGAATTATAGACTGA[C>G]TACATTGGAAGCTTTGAGTTGACTTCTGACAAAGGTGGTAAATTCAGACAACATTATGAT-3'